The following is an entry in ClinVar:

ClinVar aggregate classification (germline): Uncertain significance. Review status: criteria provided, multiple submitters, no conflicts (2 of 4 stars). 2 submissions from 2 submitters: Uncertain significance (2). Last evaluated 2024-05-18.

Conditions:
Neonatal diabetes mellitus with congenital hypothyroidism. Also called: NDH SYNDROME. Identifiers: Orphanet 79118, MedGen C1857775, MONDO:0012436, OMIM 610199.

gnomAD v4.1: 2 of 1,613,852 alleles (0.00012%); no homozygotes.

Submissions (2):

Fulgent Genetics
Classification: Uncertain significance for Neonatal diabetes mellitus with congenital hypothyroidism. Last evaluated: 2024-05-18. Review status: criteria provided, single submitter. Criteria: ACMG Guidelines, 2015. Collection method: clinical testing. Allele origin: germline.

Labcorp Genetics (formerly Invitae), Labcorp
Classification: Uncertain significance. Last evaluated: 2022-04-25. Review status: criteria provided, single submitter. Criteria: Invitae Variant Classification Sherloc (09022015). Collection method: clinical testing. Allele origin: germline.
Comment: In summary, the available evidence is currently insufficient to determine the role of this variant in disease. Therefore, it has been classified as a Variant of Uncertain Significance. Algorithms developed to predict the effect of missense changes on protein structure and function (SIFT, PolyPhen-2, Align-GVGD) all suggest that this variant is likely to be disruptive. This variant has not been reported in the literature in individuals affected with GLIS3-related conditions. This variant is not present in population databases (gnomAD no frequency). This sequence change replaces serine, which is neutral and polar, with tryptophan, which is neutral and slightly polar, at codon 724 of the GLIS3 protein (p.Ser724Trp).

NM_001042413.2(GLIS3):c.2636C>G (p.Ser879Trp)

Gene: GLIS3 (GLIS family zinc finger 3; minus strand). Cytogenetic location: 9p24.2.
Variant type: single nucleotide variant.
Coding change: c.2636C>G on transcript NM_001042413.2 (MANE Select); coding-DNA position 2636, C replaced by G.
Protein change: p.Ser879Trp; replaces serine 879 with tryptophan.
Molecular consequence: missense variant.
Genome position (GRCh38, 1-based): chr9:3,829,330, G>C on the plus strand (C>G on the coding strand, the complement: GLIS3 is on the minus strand). VCF-style: chr9-3829330-G-C. GRCh37 (hg19) VCF-style: chr9-3829330-G-C.
Other names: c.2171C>G, p.Ser724Trp (NM_152629.4); short protein forms S724W, S879W.
Identifiers: ClinVar variation 1369644 (VCV001369644.8), dbSNP rs200265407, ClinGen allele CA188258876.